The following is an entry in ClinVar:

ClinVar aggregate classification (germline): Uncertain significance (1 of 4 stars; one submission).

Conditions:
Kabuki syndrome. Also called: Kabuki make-up syndrome; NIIKAWA-KUROKI SYNDROME. Identifiers: Orphanet 2322, MedGen C0796004, MONDO:0016512.

Submission:

Labcorp Genetics (formerly Invitae), Labcorp
Classification: Uncertain significance for Kabuki syndrome. Last evaluated: 2022-08-01. Review status: criteria provided, single submitter. Criteria: Invitae Variant Classification Sherloc (09022015). Collection method: clinical testing. Allele origin: germline.
Comment: This variant is not present in population databases (gnomAD no frequency). In summary, the available evidence is currently insufficient to determine the role of this variant in disease. Therefore, it has been classified as a Variant of Uncertain Significance. Advanced modeling of protein sequence and biophysical properties (such as structural, functional, and spatial information, amino acid conservation, physicochemical variation, residue mobility, and thermodynamic stability) performed at Invitae indicates that this missense variant is not expected to disrupt KMT2D protein function. This variant has not been reported in the literature in individuals affected with KMT2D-related conditions. This sequence change replaces valine, which is neutral and non-polar, with leucine, which is neutral and non-polar, at codon 2257 of the KMT2D protein (p.Val2257Leu).

NM_003482.4(KMT2D):c.6769G>T (p.Val2257Leu)

Gene: KMT2D (lysine methyltransferase 2D; minus strand). Cytogenetic location: 12q13.12.
Variant type: single nucleotide variant.
Coding change: c.6769G>T on transcript NM_003482.4 (MANE Select); coding-DNA position 6769, G replaced by T.
Protein change: p.Val2257Leu; replaces valine 2257 with leucine.
Molecular consequence: missense variant.
Genome position (GRCh38, 1-based): chr12:49,041,001, C>A on the plus strand (G>T on the coding strand, the complement: KMT2D is on the minus strand). VCF-style: chr12-49041001-C-A. GRCh37 (hg19) VCF-style: chr12-49434784-C-A.
Other names: short protein forms V2257L.
Identifiers: ClinVar variation 1714728 (VCV001714728.5), dbSNP rs775131102, ClinGen allele CA384749742.